The following is an entry in ClinVar:

NM_023036.6(DNAI2):c.468-4G>T

Gene: DNAI2 (dynein axonemal intermediate chain 2; plus strand). Cytogenetic location: 17q25.1.
Variant type: single nucleotide variant.
Coding change: c.468-4G>T on transcript NM_023036.6 (MANE Select); 4 bases into the intron before coding-DNA position 468, G replaced by T.
Molecular consequence: intron variant.
Genome position (GRCh38, 1-based): chr17:74,289,590, G>T. VCF-style: chr17-74289590-G-T. GRCh37 (hg19) VCF-style: chr17-72285729-G-T.
Other names: p.?; c.468-4G>T (NM_001353167.2, NM_001172810.3, NM_023036.5).
Identifiers: ClinVar variation 325009 (VCV000325009.53), dbSNP rs146462823, ClinGen allele CA8745383.
Genomic context (GRCh38, chr17:74,289,590, plus strand): 5'-AAAAAGGGGGAGAAATTGGGGAACCTCACATCCAGCCTTCTGCTCTCTTCCCTCTCCCCT[G>T]CAGGGACCCCCAGGAAATCAAGAGGGCTGCCACACACCTCTCCTGGCACCCCGATGGCAA-3'

ClinVar aggregate classification (germline): Conflicting classifications of pathogenicity. Review status: criteria provided, conflicting classifications (1 of 4 stars). 10 submissions from 10 submitters: Uncertain significance (1); Benign (3); Likely benign (4). 2 of the submissions do not count toward it. Last evaluated 2026-01-24.

Conditions:
DNAI2-related disorder. Also called: DNAI2-related condition.
Primary ciliary dyskinesia 9. Also called: CILIARY DYSKINESIA, PRIMARY, 9, WITH OR WITHOUT SITUS INVERSUS. Identifiers: Orphanet 244, MedGen C2676235, MONDO:0012906, OMIM 612444.
Primary ciliary dyskinesia. Also called: Ciliary dyskinesia. Identifiers: Orphanet 244, MedGen C0008780, MONDO:0016575, HP:0012265.

Allele frequency attached by ClinVar (database versions not stated): gnomAD exomes 0.00037 and 0.00080; ExAC 0.00094; ESP Exome Variant Server 0.00254; gnomAD 0.00306 and 0.00321; TOPMed 0.00330; 1000 Genomes Project 30x 0.00531; 1000 Genomes Project 0.00579.
gnomAD v4.1: 1,033 of 1,613,372 alleles (0.064%); highest among the groups gnomAD compares: African/African-American, 1.1%; 6 homozygotes.

Submissions (10):

Labcorp Genetics (formerly Invitae), Labcorp
Classification: Benign for Primary ciliary dyskinesia. Last evaluated: 2026-01-24. Review status: criteria provided, single submitter. Criteria: Invitae Variant Classification Sherloc (09022015). Collection method: clinical testing. Allele origin: germline.

Mayo Clinic Laboratories, Mayo Clinic
Classification: Likely benign. Last evaluated: 2025-01-15. Review status: criteria provided, single submitter. Criteria: ACMG Guidelines, 2015. Collection method: clinical testing. Allele origin: germline. Observed: 1 variant allele.
Comment: BS1, BS2_supporting, BP4, BP7

Blueprint Genetics
Classification: Likely benign. Last evaluated: 2024-09-16. Review status: criteria provided, single submitter. Criteria: ACMG Guidelines, 2015. Collection method: clinical testing. Allele origin: germline.

ARUP Laboratories, Molecular Genetics and Genomics, ARUP Laboratories
Classification: Likely benign for Primary ciliary dyskinesia 9. Last evaluated: 2024-05-20. Review status: criteria provided, single submitter. Criteria: ARUP Molecular Germline Variant Investigation Process 2024. Collection method: clinical testing. Allele origin: germline.

CeGaT Center for Human Genetics Tuebingen
Classification: Benign. Last evaluated: 2023-09-01. Review status: criteria provided, single submitter. Criteria: CeGaT Center For Human Genetics Tuebingen Variant Classification Criteria Version 2. Collection method: clinical testing. Allele origin: germline. Affected: yes. Observed: 1 variant allele.
Comment: DNAI2: BP4, BS1, BS2

Genetics and Molecular Pathology, SA Pathology
Classification: Likely benign for Primary ciliary dyskinesia 9. Last evaluated: 2019-08-08. Review status: criteria provided, single submitter. Criteria: ACMG Guidelines, 2015. Collection method: clinical testing. Allele origin: germline. Affected: yes.

Illumina Laboratory Services, Illumina
Classification: Uncertain significance for Primary ciliary dyskinesia 9. Last evaluated: 2018-01-13. Review status: criteria provided, single submitter. Criteria: ICSL Variant Classification Criteria 13 December 2019. Collection method: clinical testing. Allele origin: germline.

Ambry Genetics
Classification: Benign for Primary ciliary dyskinesia. Last evaluated: 2014-10-09. Review status: criteria provided, single submitter. Criteria: Ambry Variant Classification Scheme 2023. Collection method: clinical testing. Allele origin: germline.

Natera, Inc.
Classification: Likely benign for Primary ciliary dyskinesia. Last evaluated: 2019-10-23. Review status: no assertion criteria provided. Collection method: clinical testing. Allele origin: germline. Not counted in ClinVar's aggregate classification.

PreventionGenetics, part of Exact Sciences
Classification: Benign for DNAI2-related condition. Last evaluated: 2019-03-18. Review status: no assertion criteria provided. Collection method: clinical testing. Allele origin: germline. Not counted in ClinVar's aggregate classification.
Comment: This variant is classified as benign based on ACMG/AMP sequence variant interpretation guidelines (Richards et al. 2015 PMID: 25741868, with internal and published modifications).

Literature cited by the submitters: PubMed 25118008 (cited by Mayo Clinic Laboratories, Mayo Clinic).